The following is an entry in ClinVar:

ClinVar aggregate classification (germline): Pathogenic/Likely pathogenic. Review status: criteria provided, multiple submitters, no conflicts (2 of 4 stars). 16 submissions from 14 submitters: Pathogenic (12); Likely pathogenic (1). 3 of the submissions do not count toward it. Last evaluated 2026-01-17.

Conditions:
CRB1-related disorder. Also called: CRB1-related disorders; CRB1-related condition.
Leber congenital amaurosis 8 (LCA8). Identifiers: Orphanet 65, MedGen C3151202, MONDO:0013453, OMIM 613835.
Retinitis pigmentosa 12 (RP12). Also called: RP WITH OR WITHOUT PRESERVED PARAARTERIOLE RETINAL PIGMENT EPITHELIUM; RETINITIS PIGMENTOSA WITH OR WITHOUT PARAARTERIOLAR PRESERVATION OF RETINAL PIGMENT EPITHELIUM; RP WITH OR WITHOUT PPRPE. Identifiers: Orphanet 791, MedGen C1838647, MONDO:0010818, OMIM 600105.
Retinal dystrophy. Also called: Inherited retinal dystrophy. Identifiers: Orphanet 71862, MedGen C0854723, MeSH D058499, MONDO:0019118, HP:0000556.
Pigmented paravenous retinochoroidal atrophy. Identifiers: Orphanet 251295, MedGen C1868310, MONDO:0008246, OMIM 172870.
Leber congenital amaurosis (LCA). Also called: Leber's amaurosis. Identifiers: Orphanet 65, MedGen C0339527, MeSH D057130, MONDO:0018998.

Allele frequency attached by ClinVar (database versions not stated): gnomAD 0.00001; gnomAD exomes 0.00001 and 0.00003; TOPMed 0.00002; ExAC 0.00005.
gnomAD v4.1: 19 of 1,614,064 alleles (0.0012%); highest among the groups gnomAD compares: East Asian, 0.022%; no homozygotes.

Submissions (16):

Natera, Inc.
Classification: Pathogenic for Leber congenital amaurosis. Last evaluated: 2026-01-17. Review status: criteria provided, single submitter. Criteria: Natera Variant Classification Schema (03/2026). Collection method: clinical testing. Allele origin: germline.
Comment: The c.1576C>T variant in CRB1 is a nonsense variant predicted to introduce a stop codon at amino acid 526. This variant is expected to result in nonsense mediated decay, truncation, or a dysfunctional protein product. This variant is rare in the general population with a frequency below the threshold expected for the associated phenotype(s). This variant has been observed in one or more individuals affected with the associated recessive disease, as either homozygous or compound heterozygous with a second variant (PMID: 26047050). Given the available evidence, this variant is classified as Pathogenic.

3billion
Classification: Pathogenic for CRB1-related disorder. Last evaluated: 2025-11-26. Review status: criteria provided, single submitter. Criteria: ACMG Guidelines, 2015. Collection method: clinical testing. Allele origin: germline. Affected: yes.
Comment: The variant is observed at an extremely low frequency in the gnomAD v4.1.0 dataset (total allele frequency: 0.001%). Predicted Consequence/Location: Stop-gained (nonsense): predicted to result in a loss or disruption of normal protein function through nonsense-mediated decay (NMD) or protein truncation. Multiple pathogenic variants are reported downstream of the variant. In silico tool prediction suggests damaging effect of the variant on gene or gene product [3Cnet: 1.00 (damaging >0.75, benign <0.1)]. The variant has been reported at least twice as pathogenic with clinical assertions and evidence for the classification (ClinVar ID: VCV000143167 /PMID: 18682808 /3billion dataset). Therefore, this variant is classified as Pathogenic according to the recommendation of ACMG/AMP guideline.

Labcorp Genetics (formerly Invitae), Labcorp
Classification: Pathogenic for Leber congenital amaurosis 8; Retinitis pigmentosa 12. Last evaluated: 2024-08-15. Review status: criteria provided, single submitter. Criteria: Invitae Variant Classification Sherloc (09022015). Collection method: clinical testing. Allele origin: germline.
Comment: This sequence change creates a premature translational stop signal (p.Arg526*) in the CRB1 gene. It is expected to result in an absent or disrupted protein product. Loss-of-function variants in CRB1 are known to be pathogenic (PMID: 10508521, 22065545, 23379534, 25412400, 26957898, 28041643, 29391521). This variant is present in population databases (rs114342808, gnomAD 0.02%). This premature translational stop signal has been observed in individual(s) with CRB1-related conditions (PMID: 18682808, 23462753, 28512305). ClinVar contains an entry for this variant (Variation ID: 143167). For these reasons, this variant has been classified as Pathogenic.

Baylor Genetics
Classification: Pathogenic for Leber congenital amaurosis 8. Last evaluated: 2024-03-28. Review status: criteria provided, single submitter. Criteria: ACMG Guidelines, 2015. Collection method: clinical testing. Allele origin: unknown.

Fulgent Genetics
Classification: Pathogenic for Pigmented paravenous retinochoroidal atrophy; Retinitis pigmentosa 12; Leber congenital amaurosis 8. Last evaluated: 2024-03-06. Review status: criteria provided, single submitter. Criteria: ACMG Guidelines, 2015. Collection method: clinical testing. Allele origin: germline.

Dept Of Ophthalmology, Nagoya University
Classification: Pathogenic for Retinal dystrophy. Last evaluated: 2023-10-01. Review status: criteria provided, single submitter. Criteria: Submitter's publication. Collection method: research. Allele origin: germline. Affected: yes.

GeneDx
Classification: Pathogenic. Last evaluated: 2023-08-07. Review status: criteria provided, single submitter. Criteria: GeneDx Variant Classification Process June 2021. Collection method: clinical testing. Allele origin: germline. Affected: yes.
Comment: Nonsense variant predicted to result in protein truncation or nonsense mediated decay in a gene for which loss of function is a known mechanism of disease; This variant is associated with the following publications: (PMID: 23462753, 25324289, 32351147, 31054281, 20981092, 18682808, 32165824, 31456290, 33090715, 32901917, 33342761, 33946315, 34721897, 22344438, 25133751, 25445212, 28512305, 20956273, 23449718, 24715753, 29145603, 31630094)

Genome-Nilou Lab
Classification: Pathogenic for Leber congenital amaurosis 8. Last evaluated: 2023-04-11. Review status: criteria provided, single submitter. Criteria: ACMG Guidelines, 2015. Collection method: clinical testing. Allele origin: germline. Affected: no.

Genome-Nilou Lab
Classification: Pathogenic for Pigmented paravenous retinochoroidal atrophy. Last evaluated: 2023-04-11. Review status: criteria provided, single submitter. Criteria: ACMG Guidelines, 2015. Collection method: clinical testing. Allele origin: germline. Affected: no.

Genome-Nilou Lab
Classification: Pathogenic for Retinitis pigmentosa 12. Last evaluated: 2023-04-11. Review status: criteria provided, single submitter. Criteria: ACMG Guidelines, 2015. Collection method: clinical testing. Allele origin: germline. Affected: no.

Blueprint Genetics
Classification: Pathogenic for CRB1-related disorders. Last evaluated: 2022-07-27. Review status: criteria provided, single submitter. Criteria: ACMG Guidelines, 2015. Collection method: clinical testing. Allele origin: germline. Affected: yes. Observed: 5 variant alleles.

Institute of Human Genetics, Univ. Regensburg, Univ. Regensburg
Classification: Likely pathogenic for Retinal dystrophy. Last evaluated: 2022-01-01. Review status: criteria provided, single submitter. Criteria: ACMG Guidelines, 2015. Collection method: clinical testing. Allele origin: germline. Affected: yes.

Eurofins Ntd Llc (ga)
Classification: Pathogenic. Last evaluated: 2014-11-07. Review status: criteria provided, single submitter. Criteria: EGL Classification Definitions 2015. Collection method: clinical testing. Allele origin: germline. Observed: 1 variant allele, 1 heterozygote.

Sharon lab, Hadassah-Hebrew University Medical Center
Classification: Pathogenic for leber congenital amaurosis. Last evaluated: 2019-06-23. Review status: no assertion criteria provided. Collection method: research. Allele origin: inherited. Affected: yes. Not counted in ClinVar's aggregate classification.

Molecular Diagnostics Laboratory, Seoul National University Hospital
Classification: Pathogenic for Leber congenital amaurosis 8. Last evaluated: 2014-09-18. Review status: no assertion criteria provided. Collection method: clinical testing. Allele origin: unknown. Affected: yes. Not counted in ClinVar's aggregate classification.

Department of Ophthalmology and Visual Sciences Kyoto University
Classification: Pathogenic for Leber congenital amaurosis 8. Review status: no assertion criteria provided. Collection method: not provided. Allele origin: unknown. Not counted in ClinVar's aggregate classification.
ClinVar note: Converted during submission from pathogenic to Pathogenic.

Literature cited by the submitters: PubMed 26047050 (cited by Natera, Inc.); PubMed 18682808 (cited by 3 submitters); PubMed 10508521 (cited by Labcorp Genetics (formerly Invitae), Labcorp); PubMed 22065545 (cited by Labcorp Genetics (formerly Invitae), Labcorp); PubMed 23379534 (cited by Labcorp Genetics (formerly Invitae), Labcorp); PubMed 25412400 (cited by Labcorp Genetics (formerly Invitae), Labcorp); PubMed 26957898 (cited by Labcorp Genetics (formerly Invitae), Labcorp); PubMed 28041643 (cited by Labcorp Genetics (formerly Invitae), Labcorp); PubMed 29391521 (cited by Labcorp Genetics (formerly Invitae), Labcorp); PubMed 23462753 (cited by Labcorp Genetics (formerly Invitae), Labcorp and Institute of Human Genetics, Univ. Regensburg, Univ. Regensburg); PubMed 28512305 (cited by Labcorp Genetics (formerly Invitae), Labcorp and Institute of Human Genetics, Univ. Regensburg, Univ. Regensburg); PubMed 20981092 (cited by Institute of Human Genetics, Univ. Regensburg, Univ. Regensburg); PubMed 22344438 (cited by Institute of Human Genetics, Univ. Regensburg, Univ. Regensburg); PubMed 25525159 (cited by Institute of Human Genetics, Univ. Regensburg, Univ. Regensburg); PubMed 29145603 (cited by Institute of Human Genetics, Univ. Regensburg, Univ. Regensburg); PubMed 31054281 (cited by Institute of Human Genetics, Univ. Regensburg, Univ. Regensburg); PubMed 31964843 (cited by Institute of Human Genetics, Univ. Regensburg, Univ. Regensburg); PubMed 32351147 (cited by Institute of Human Genetics, Univ. Regensburg, Univ. Regensburg); PubMed 33090715 (cited by Institute of Human Genetics, Univ. Regensburg, Univ. Regensburg); PubMed 32901917 (cited by Institute of Human Genetics, Univ. Regensburg, Univ. Regensburg); PubMed 31456290 (cited by Institute of Human Genetics, Univ. Regensburg, Univ. Regensburg); PubMed 32165824 (cited by Institute of Human Genetics, Univ. Regensburg, Univ. Regensburg); PubMed 31630094 (cited by Institute of Human Genetics, Univ. Regensburg, Univ. Regensburg); PubMed 34721897 (cited by Institute of Human Genetics, Univ. Regensburg, Univ. Regensburg); PubMed 33946315 (cited by Institute of Human Genetics, Univ. Regensburg, Univ. Regensburg); PubMed 33342761 (cited by Institute of Human Genetics, Univ. Regensburg, Univ. Regensburg); PubMed 36284460 (cited by Institute of Human Genetics, Univ. Regensburg, Univ. Regensburg); PubMed 36819107 (cited by Institute of Human Genetics, Univ. Regensburg, Univ. Regensburg).

NM_201253.3(CRB1):c.1576C>T (p.Arg526Ter)

Gene: CRB1 (crumbs cell polarity complex component 1; plus strand). Cytogenetic location: 1q31.3.
Variant type: single nucleotide variant.
Coding change: c.1576C>T on transcript NM_201253.3 (MANE Select); coding-DNA position 1576, C replaced by T.
Protein change: p.Arg526Ter; replaces arginine 526 with a stop codon.
Molecular consequence: nonsense. On other transcripts: non-coding transcript variant (2).
Genome position (GRCh38, 1-based): chr1:197,421,404, C>T. VCF-style: chr1-197421404-C-T. GRCh37 (hg19) VCF-style: chr1-197390534-C-T.
Other names: c.1240C>T, p.Arg414Ter (NM_001193640.2); c.1369C>T, p.Arg457Ter (NM_001257965.2); c.1576C>T, p.Arg526Ter (NM_001257966.2); short protein forms R526*, R457*, R414*.
Identifiers: ClinVar variation 143167 (VCV000143167.24), dbSNP rs114342808, ClinGen allele CA170083.
Genomic context (GRCh38, chr1:197,421,404, plus strand): 5'-TCAGTTTGTAACATAGCCCTCAGGTTTCAGACTGTTCAGCCAATGGCTCTTCTACTTTTC[C>T]GAAGCAACAGGGATGTGTTTGTGAAGCTGGAGCTGCTAAGTGGCTACATTCACTTATCAA-3'